The following is an entry in ClinVar:

ClinVar aggregate classification (germline): Uncertain significance (1 of 4 stars; one submission).

Submission:

GeneDx
Classification: Uncertain significance. Last evaluated: 2026-03-21. Review status: criteria provided, single submitter. Criteria: GeneDx Variant Classification Process June 2021. Collection method: clinical testing. Allele origin: germline.
Comment: Not observed at significant frequency in large population cohorts (gnomAD); In silico analysis supports that this missense variant has a deleterious effect on protein structure/function; Has not been previously published as pathogenic or benign to our knowledge

NM_012154.5(AGO2):c.1111T>C (p.Ser371Pro)

Gene: AGO2 (argonaute RISC catalytic component 2; minus strand). Cytogenetic location: 8q24.3.
Variant type: single nucleotide variant.
Coding change: c.1111T>C on transcript NM_012154.5 (MANE Select); coding-DNA position 1111, T replaced by C.
Protein change: p.Ser371Pro; replaces serine 371 with proline.
Molecular consequence: missense variant.
Genome position (GRCh38, 1-based): chr8:140,556,202, A>G on the plus strand (T>C on the coding strand, the complement: AGO2 is on the minus strand). VCF-style: chr8-140556202-A-G. GRCh37 (hg19) VCF-style: chr8-141566301-A-G.
Other names: c.1111T>C, p.Ser371Pro (NM_001164623.3); short protein forms S371P.
Identifiers: ClinVar variation 5009518 (VCV005009518.1).